The following is an entry in ClinVar:

NM_001184.4(ATR):c.7589G>A (p.Gly2530Asp)

Gene: ATR (ATR checkpoint kinase; minus strand). Cytogenetic location: 3q23.
Variant type: single nucleotide variant.
Coding change: c.7589G>A on transcript NM_001184.4 (MANE Select); coding-DNA position 7589, G replaced by A.
Protein change: p.Gly2530Asp; replaces glycine 2530 with aspartic acid.
Molecular consequence: missense variant.
Genome position (GRCh38, 1-based): chr3:142,457,670, C>T on the plus strand (G>A on the coding strand, the complement: ATR is on the minus strand). VCF-style: chr3-142457670-C-T. GRCh37 (hg19) VCF-style: chr3-142176512-C-T.
Other names: c.7397G>A, p.Gly2466Asp (NM_001354579.2); short protein forms G2466D, G2530D.
Identifiers: ClinVar variation 1759640 (VCV001759640.7), dbSNP rs2070935650, ClinGen allele CA354795062.

ClinVar aggregate classification (germline): Uncertain significance. Review status: criteria provided, multiple submitters, no conflicts (2 of 4 stars). 2 submissions from 2 submitters: Uncertain significance (2). Last evaluated 2025-08-14.

Conditions:
Inborn genetic diseases. Identifiers: MedGen C0950123, MeSH D030342.

gnomAD v4.1: 1 of 1,614,028 alleles (0.000062%); no homozygotes.

Submissions (2):

Ambry Genetics
Classification: Uncertain significance for Inborn genetic diseases. Last evaluated: 2025-08-14. Review status: criteria provided, single submitter. Criteria: Ambry Variant Classification Scheme 2023. Collection method: clinical testing. Allele origin: germline.

Labcorp Genetics (formerly Invitae), Labcorp
Classification: Uncertain significance. Last evaluated: 2023-06-15. Review status: criteria provided, single submitter. Criteria: Invitae Variant Classification Sherloc (09022015). Collection method: clinical testing. Allele origin: germline.
Comment: This variant has not been reported in the literature in individuals affected with ATR-related conditions. This variant is not present in population databases (gnomAD no frequency). This sequence change replaces glycine, which is neutral and non-polar, with aspartic acid, which is acidic and polar, at codon 2530 of the ATR protein (p.Gly2530Asp). ClinVar contains an entry for this variant (Variation ID: 1759640). In summary, the available evidence is currently insufficient to determine the role of this variant in disease. Therefore, it has been classified as a Variant of Uncertain Significance. An algorithm developed to predict the effect of missense changes on protein structure and function (PolyPhen-2) suggests that this variant is likely to be disruptive.